The following is an entry in ClinVar:

NM_001887.4(CRYBB1):c.328C>T (p.Arg110Cys)

Genes: CRYBA4 (crystallin beta A4; plus strand), CRYBB1 (crystallin beta B1; minus strand). Cytogenetic location: 22q12.1.
Variant type: single nucleotide variant.
Coding change: c.328C>T on transcript NM_001887.4 (MANE Select); coding-DNA position 328, C replaced by T.
Protein change: p.Arg110Cys; replaces arginine 110 with cysteine.
Molecular consequence: missense variant.
Genome position (GRCh38, 1-based): chr22:26,607,993, G>A on the plus strand (C>T on the coding strand, the complement: CRYBB1 is on the minus strand). VCF-style: chr22-26607993-G-A. GRCh37 (hg19) VCF-style: chr22-27003957-G-A.
Other names: short protein forms R110C.
Identifiers: ClinVar variation 468742 (VCV000468742.40), dbSNP rs147206089, ClinGen allele CA10165490.
Genomic context (GRCh38, chr22:26,607,993, plus strand): 5'-TGCTCGACCATGTGTTCCAGCGAGGGTACTCGCCCTTCTCCAGGATGAACATCTCCCCGC[G>A]GAAGTTGGACTGCTCAAAGGCGACCCAGCTGGATACAAGAAGGACCATGAGGCAGACAGG-3'
Protein context (NP_001878.1, residues 100-120): PWVAFEQSNF[Arg110Cys]GEMFILEKGE

ClinVar aggregate classification (germline): Benign. Review status: criteria provided, multiple submitters, no conflicts (2 of 4 stars). 6 submissions from 6 submitters: Benign (4). 2 of the submissions do not count toward it. Last evaluated 2026-01-27.

Conditions:
Cataract 17 multiple types. Also called: CATARACT 17, PULVERULENT; CATARACT 17, CONGENITAL NUCLEAR, AUTOSOMAL RECESSIVE. Identifiers: Orphanet 91492, MedGen C3888124, MONDO:0012688, OMIM 611544.

Allele frequency attached by ClinVar (database versions not stated): gnomAD 0.00220 and 0.00248; TOPMed 0.00241; 1000 Genomes Project 0.00280; 1000 Genomes Project 30x 0.00281; ESP Exome Variant Server 0.00315; gnomAD exomes 0.00378 and 0.00382; ExAC 0.00397.
gnomAD v4.1: 5,907 of 1,614,210 alleles (0.37%); highest among the groups gnomAD compares: Middle Eastern, 1.3%; 34 homozygotes.

Submissions (6):

Labcorp Genetics (formerly Invitae), Labcorp
Classification: Benign for Cataract 17 multiple types. Last evaluated: 2026-01-27. Review status: criteria provided, single submitter. Criteria: Invitae Variant Classification Sherloc (09022015). Collection method: clinical testing. Allele origin: germline.

CeGaT Center for Human Genetics Tuebingen
Classification: Benign. Last evaluated: 2025-12-01. Review status: criteria provided, single submitter. Criteria: CeGaT Center For Human Genetics Tuebingen Variant Classification Criteria Version 2. Collection method: clinical testing. Allele origin: germline. Affected: yes. Observed: 3 variant alleles.
Comment: CRYBB1: BP4, BS1, BS2

Illumina Laboratory Services, Illumina
Classification: Benign for Cataract 17 multiple types. Last evaluated: 2017-04-27. Review status: criteria provided, single submitter. Criteria: ICSL Variant Classification Criteria 13 December 2019. Collection method: clinical testing. Allele origin: germline.
Comment: This variant was observed as part of a predisposition screen in an ostensibly healthy population. A literature search was performed for the gene, cDNA change, and amino acid change (where applicable). Publications were found based on this search. The evidence from the literature, in combination with allele frequency data from public databases where available, was sufficient to rule this variant out of causing disease. Therefore, this variant is classified as benign.

Breakthrough Genomics
Classification: Benign. Review status: criteria provided, single submitter. Criteria: ACMG Guidelines, 2015. Collection method: not provided. Allele origin: germline. Inheritance: Autosomal dominant inheritance. Affected: yes.

Clinical Genetics DNA and cytogenetics Diagnostics Lab, Erasmus MC, Erasmus Medical Center
Classification: Benign. Review status: no assertion criteria provided. Collection method: clinical testing. Allele origin: germline. Affected: yes. Study: VKGL Data-share Consensus. Not counted in ClinVar's aggregate classification.

Laboratory of Diagnostic Genome Analysis, Leiden University Medical Center (LUMC)
Classification: Likely benign. Review status: no assertion criteria provided. Collection method: clinical testing. Allele origin: germline. Affected: yes. Study: VKGL Data-share Consensus. Not counted in ClinVar's aggregate classification.

Literature cited by the submitters: PubMed 20565250 (cited by Illumina Laboratory Services, Illumina).